The following is an entry in ClinVar:

ClinVar aggregate classification (germline): Uncertain significance (1 of 4 stars; one submission).

Conditions:
Progressive familial heart block type IB (PFHB1B). Identifiers: Orphanet 871, MedGen C1970298, MONDO:0011474, OMIM 604559.

Allele frequency attached by ClinVar (database versions not stated): gnomAD exomes below 0.00001; TOPMed below 0.00001; gnomAD 0.00001.
gnomAD v4.1: 2 of 1,585,312 alleles (0.00013%); highest among the groups gnomAD compares: South Asian, 0.0011%; no homozygotes.

Submission:

Labcorp Genetics (formerly Invitae), Labcorp
Classification: Uncertain significance for Progressive familial heart block type IB. Last evaluated: 2026-01-21. Review status: criteria provided, single submitter. Criteria: Invitae Variant Classification Sherloc (09022015). Collection method: clinical testing. Allele origin: germline.
Comment: This sequence change replaces tyrosine, which is neutral and polar, with histidine, which is basic and polar, at codon 859 of the TRPM4 protein (p.Tyr859His). This variant is not present in population databases (gnomAD no frequency). This variant has not been reported in the literature in individuals affected with TRPM4-related conditions. ClinVar contains an entry for this variant (Variation ID: 1052749). An algorithm developed to predict the effect of missense changes on protein structure and function (PolyPhen-2) suggests that this variant is likely to be disruptive. In summary, the available evidence is currently insufficient to determine the role of this variant in disease. Therefore, it has been classified as a Variant of Uncertain Significance.

NM_017636.4(TRPM4):c.2575T>C (p.Tyr859His)

Gene: TRPM4 (transient receptor potential cation channel subfamily M member 4; plus strand). Cytogenetic location: 19q13.33.
Variant type: single nucleotide variant.
Coding change: c.2575T>C on transcript NM_017636.4 (MANE Select); coding-DNA position 2575, T replaced by C.
Protein change: p.Tyr859His; replaces tyrosine 859 with histidine.
Molecular consequence: missense variant. On other transcripts: intron variant (1).
Genome position (GRCh38, 1-based): chr19:49,196,804, T>C. VCF-style: chr19-49196804-T-C. GRCh37 (hg19) VCF-style: chr19-49700061-T-C.
Other names: c.2230T>C, p.Tyr744His (NM_001321281.2); c.967T>C, p.Tyr323His (NM_001321282.2); c.2053T>C, p.Tyr685His (NM_001321283.2); c.1513T>C, p.Tyr505His (NM_001321285.2); c.2211-3496T>C (NM_001195227.2); short protein forms Y323H, Y505H, Y685H, Y744H, Y859H.
Identifiers: ClinVar variation 1052749 (VCV001052749.9), dbSNP rs1410816344, ClinGen allele CA406809493.